The following is an entry in ClinVar:

NM_001110556.2(FLNA):c.6145C>T (p.Arg2049Cys)

Gene: FLNA (filamin A; minus strand). Cytogenetic location: Xq28.
Variant type: single nucleotide variant.
Coding change: c.6145C>T on transcript NM_001110556.2 (MANE Select); coding-DNA position 6145, C replaced by T.
Protein change: p.Arg2049Cys; replaces arginine 2049 with cysteine.
Molecular consequence: missense variant.
Genome position (GRCh38, 1-based): chrX:154,353,082, G>A on the plus strand (C>T on the coding strand, the complement: FLNA is on the minus strand). VCF-style: chrX-154353082-G-A. GRCh37 (hg19) VCF-style: chrX-153581450-G-A.
Other names: c.6145C>T (NM_001110556.1); c.6121C>T, p.Arg2041Cys (NM_001456.4); short protein forms R2041C, R2049C.
Identifiers: ClinVar variation 636591 (VCV000636591.9), dbSNP rs782740450, ClinGen allele CA10560156.

ClinVar aggregate classification (germline): Uncertain significance. Review status: criteria provided, multiple submitters, no conflicts (2 of 4 stars). 3 submissions from 3 submitters: Uncertain significance (3). Last evaluated 2025-06-04.

Conditions:
Frontometaphyseal dysplasia (FMD1). Identifiers: Orphanet 1826, MedGen C0265293, MONDO:0015942.
Heterotopia, periventricular, X-linked dominant (PVNH1). Also called: PERIVENTRICULAR NODULAR HETEROTOPIA 1; PERIVENTRICULAR NODULAR HETEROTOPIA 4; HETEROTOPIA, PERIVENTRICULAR, 1; X-linked periventricular heterotopia. Identifiers: Orphanet 2149, Orphanet 82004, MedGen C1848213, MONDO:0010233, OMIM 300049.
Melnick-Needles syndrome (MNS). Also called: OSTEODYSPLASTY OF MELNICK AND NEEDLES; Melnick-Needles Syndrome (FLNA-MNS); MELNICK-NEEDLES OSTEODYSPLASTY. Identifiers: Orphanet 2484, MedGen C0025237, MONDO:0010650, OMIM 309350.
Oto-palato-digital syndrome, type II (OPD2). Also called: Otopalatodigital Syndrome Type 2 (FLNA-OPD2); FACIOPALATOOSSEOUS SYNDROME; OPD II SYNDROME; Otopalatodigital Syndrome, Type II. Identifiers: Orphanet 669, Orphanet 90652, MedGen C1844696, MONDO:0010571, OMIM 304120.
FLNA-related disorder.

Allele frequency attached by ClinVar (database versions not stated): gnomAD exomes below 0.00001 and 0.00001; ExAC 0.00001; TOPMed 0.00002.
gnomAD v4.1: 4 of 1,211,529 alleles (0.00033%); highest among the groups gnomAD compares: Admixed American, 0.0022%; no homozygotes.

Submissions (3):

PreventionGenetics, part of Exact Sciences
Classification: Uncertain significance for FLNA-related condition. Last evaluated: 2025-06-04. Review status: criteria provided, single submitter. Criteria: ACMG Guidelines, 2015. Collection method: clinical testing. Allele origin: germline.
Comment: The FLNA c.6145C>T variant is predicted to result in the amino acid substitution p.Arg2049Cys. This variant is reported in 0.0012% of alleles in individuals of European (Non-Finnish) descent in gnomAD. At this time, the clinical significance of this variant is uncertain due to the absence of conclusive functional and genetic evidence.

Labcorp Genetics (formerly Invitae), Labcorp
Classification: Uncertain significance for Oto-palato-digital syndrome, type II; Heterotopia, periventricular, X-linked dominant; Frontometaphyseal dysplasia; Melnick-Needles syndrome. Last evaluated: 2021-10-20. Review status: criteria provided, single submitter. Criteria: Invitae Variant Classification Sherloc (09022015). Collection method: clinical testing. Allele origin: germline.
Comment: In summary, the available evidence is currently insufficient to determine the role of this variant in disease. Therefore, it has been classified as a Variant of Uncertain Significance. Advanced modeling of protein sequence and biophysical properties (such as structural, functional, and spatial information, amino acid conservation, physicochemical variation, residue mobility, and thermodynamic stability) performed at Invitae indicates that this missense variant is not expected to disrupt FLNA protein function. ClinVar contains an entry for this variant (Variation ID: 636591). This missense change has been observed in individual(s) with clinical features of FLNA-related conditions (PMID: 30986657). This variant is present in population databases (rs782740450, ExAC 0.002%). This sequence change replaces arginine with cysteine at codon 2041 of the FLNA protein (p.Arg2041Cys). The arginine residue is highly conserved and there is a large physicochemical difference between arginine and cysteine.

Blueprint Genetics
Classification: Uncertain significance. Last evaluated: 2018-03-11. Review status: criteria provided, single submitter. Criteria: ACMG Guidelines, 2015. Collection method: clinical testing. Allele origin: germline.

Literature cited by the submitters: PubMed 30986657 (cited by Labcorp Genetics (formerly Invitae), Labcorp).